The following is an entry in ClinVar:

NM_000834.5(GRIN2B):c.3173C>T (p.Ser1058Phe)

Gene: GRIN2B (glutamate ionotropic receptor NMDA type subunit 2B; minus strand). Cytogenetic location: 12p13.1.
Variant type: single nucleotide variant.
Coding change: c.3173C>T on transcript NM_000834.5 (MANE Select); coding-DNA position 3173, C replaced by T.
Protein change: p.Ser1058Phe; replaces serine 1058 with phenylalanine.
Molecular consequence: missense variant.
Genome position (GRCh38, 1-based): chr12:13,564,065, G>A on the plus strand (C>T on the coding strand, the complement: GRIN2B is on the minus strand). VCF-style: chr12-13564065-G-A. GRCh37 (hg19) VCF-style: chr12-13716999-G-A.
Other names: c.3173C>T, p.Ser1058Phe (NM_001413992.1); short protein forms S1058F.
Identifiers: ClinVar variation 5008375 (VCV005008375.1).

ClinVar aggregate classification (germline): Uncertain significance (1 of 4 stars; one submission).

Submission:

GeneDx
Classification: Uncertain significance. Last evaluated: 2026-02-12. Review status: criteria provided, single submitter. Criteria: GeneDx Variant Classification Process June 2021. Collection method: clinical testing. Allele origin: germline.
Comment: Not observed at significant frequency in large population cohorts (gnomAD); In silico analysis supports that this missense variant has a deleterious effect on protein structure/function; Has not been previously published as pathogenic or benign to our knowledge